The following is an entry in ClinVar:

NM_006767.4(LZTR1):c.263+5G>C

Gene: LZTR1 (leucine zipper like post translational regulator 1; plus strand). Cytogenetic location: 22q11.21.
Variant type: single nucleotide variant.
Coding change: c.263+5G>C on transcript NM_006767.4 (MANE Select); 5 bases into the intron after coding-DNA position 263, G replaced by C.
Molecular consequence: intron variant.
Genome position (GRCh38, 1-based): chr22:20,983,094, G>C. VCF-style: chr22-20983094-G-C. GRCh37 (hg19) VCF-style: chr22-21337383-G-C.
Identifiers: ClinVar variation 2162025 (VCV002162025.4), dbSNP rs771241129, ClinGen allele CA913086875.

ClinVar aggregate classification (germline): Uncertain significance (1 of 4 stars; one submission).

Submission:

Labcorp Genetics (formerly Invitae), Labcorp
Classification: Uncertain significance. Last evaluated: 2025-12-13. Review status: criteria provided, single submitter. Criteria: Invitae Variant Classification Sherloc (09022015). Collection method: clinical testing. Allele origin: germline.
Comment: This sequence change falls in intron 2 of the LZTR1 gene. It does not directly change the encoded amino acid sequence of the LZTR1 protein. It affects a nucleotide within the consensus splice site. This variant is not present in population databases (gnomAD no frequency). This variant has not been reported in the literature in individuals affected with LZTR1-related conditions. ClinVar contains an entry for this variant (Variation ID: 2162025). Variants that disrupt the consensus splice site are a relatively common cause of aberrant splicing (PMID: 17576681, 9536098). Algorithms developed to predict the effect of sequence changes on RNA splicing suggest that this variant may disrupt the consensus splice site. In summary, the available evidence is currently insufficient to determine the role of this variant in disease. Therefore, it has been classified as a Variant of Uncertain Significance.

Literature cited by the submitters: PubMed 17576681; PubMed 9536098.